The following is an entry in ClinVar:

NM_000199.5(SGSH):c.197C>T (p.Ser66Leu)

Gene: SGSH (N-sulfoglucosamine sulfohydrolase; minus strand). Cytogenetic location: 17q25.3.
Variant type: single nucleotide variant.
Coding change: c.197C>T on transcript NM_000199.5 (MANE Select); coding-DNA position 197, C replaced by T.
Protein change: p.Ser66Leu; replaces serine 66 with leucine.
Molecular consequence: missense variant. On other transcripts: non-coding transcript variant (1).
Genome position (GRCh38, 1-based): chr17:80,217,084, G>A on the plus strand (C>T on the coding strand, the complement: SGSH is on the minus strand). VCF-style: chr17-80217084-G-A. GRCh37 (hg19) VCF-style: chr17-78190883-G-A.
Other names: c.197C>T, p.Ser66Leu (NM_001352921.3, NM_001352922.2); short protein forms S66L.
Identifiers: ClinVar variation 1910563 (VCV001910563.10), dbSNP rs104894637, ClinGen allele CA294900009.

ClinVar aggregate classification (germline): Conflicting classifications of pathogenicity. Review status: criteria provided, conflicting classifications (1 of 4 stars). 3 submissions from 3 submitters: Pathogenic (1); Likely pathogenic (1); Uncertain significance (1). Last evaluated 2025-07-02.

Conditions:
Mucopolysaccharidosis, MPS-III-A (MPS3A). Also called: HEPARAN SULFATE SULFATASE DEFICIENCY; SANFILIPPO SYNDROME A; SULFAMIDASE DEFICIENCY; MPS III A; Mucopolysaccharidosis type IIIA (Sanfilippo A); Mucopolysaccharidosis, type IIIA. Identifiers: Orphanet 581, Orphanet 79269, MedGen C0086647, MONDO:0009655, OMIM 252900.

Submissions (3):

Women's Health and Genetics/Laboratory Corporation of America, LabCorp
Classification: Uncertain significance. Last evaluated: 2025-07-02. Review status: criteria provided, single submitter. Criteria: LabCorp Variant Classification Summary - May 2015. Collection method: clinical testing. Allele origin: germline.
Comment: Variant summary: SGSH c.197C>T (p.Ser66Leu) results in a non-conservative amino acid change located in the Sulfatase, N-terminal domain (IPR000917) of the encoded protein sequence. Algorithms developed to predict the effect of missense changes on protein structure and function all suggest that this variant is likely to be disruptive. The variant allele was found at a frequency of 4.4e-06 in 226198 control chromosomes. The available data on variant occurrences in the general population are insufficient to allow any conclusion about variant significance. To our knowledge, no occurrence of c.197C>T in individuals affected with Mucopolysaccharidosis, MPS-III-A and no experimental evidence demonstrating its impact on protein function have been reported. A different variant affecting the same codon has been classified as likely pathogenic/pathogenic by our lab (c.197C>G, p.Ser66Trp), however additional evidence is needed to make unequivocal conclusions about this variant. ClinVar contains an entry for this variant (Variation ID: 1910563). Based on the evidence outlined above, the variant was classified as uncertain significance.

Labcorp Genetics (formerly Invitae), Labcorp
Classification: Likely pathogenic for Mucopolysaccharidosis, MPS-III-A. Last evaluated: 2025-04-26. Review status: criteria provided, single submitter. Criteria: Invitae Variant Classification Sherloc (09022015). Collection method: clinical testing. Allele origin: germline.
Comment: This sequence change replaces serine, which is neutral and polar, with leucine, which is neutral and non-polar, at codon 66 of the SGSH protein (p.Ser66Leu). This variant is present in population databases (rs104894637, gnomAD 0.001%). This variant has not been reported in the literature in individuals affected with SGSH-related conditions. ClinVar contains an entry for this variant (Variation ID: 1910563). Invitae Evidence Modeling of protein sequence and biophysical properties (such as structural, functional, and spatial information, amino acid conservation, physicochemical variation, residue mobility, and thermodynamic stability) indicates that this missense variant is expected to disrupt SGSH protein function with a positive predictive value of 95%. This variant disrupts the p.Ser66 amino acid residue in SGSH. Other variant(s) that disrupt this residue have been determined to be pathogenic (PMID: 9158154, 9285796, 9554748, 15542396, 21061399, 22976768). This suggests that this residue is clinically significant, and that variants that disrupt this residue are likely to be disease-causing. In summary, the currently available evidence indicates that the variant is pathogenic, but additional data are needed to prove that conclusively. Therefore, this variant has been classified as Likely Pathogenic.

Department of Human Genetics, Hannover Medical School
Classification: Pathogenic for Mucopolysaccharidosis, MPS-III-A. Last evaluated: 2024-09-02. Review status: criteria provided, single submitter. Criteria: ACMG Guidelines, 2015. Collection method: clinical testing. Allele origin: germline. Affected: yes.

Literature cited by the submitters: PubMed 9158154 (cited by Labcorp Genetics (formerly Invitae), Labcorp); PubMed 9285796 (cited by Labcorp Genetics (formerly Invitae), Labcorp); PubMed 9554748 (cited by Labcorp Genetics (formerly Invitae), Labcorp); PubMed 15542396 (cited by Labcorp Genetics (formerly Invitae), Labcorp); PubMed 21061399 (cited by Labcorp Genetics (formerly Invitae), Labcorp); PubMed 22976768 (cited by Labcorp Genetics (formerly Invitae), Labcorp).